The following is an entry in ClinVar:

ClinVar aggregate classification (germline): Uncertain significance (1 of 4 stars; one submission).

Allele frequency attached by ClinVar (database versions not stated): gnomAD exomes below 0.00001; ExAC 0.00001; gnomAD 0.00001; TOPMed 0.00001.
gnomAD v4.1: 8 of 1,205,338 alleles (0.00066%); no homozygotes.

Submission:

Labcorp Genetics (formerly Invitae), Labcorp
Classification: Uncertain significance. Last evaluated: 2023-12-13. Review status: criteria provided, single submitter. Criteria: Invitae Variant Classification Sherloc (09022015). Collection method: clinical testing. Allele origin: germline.
Comment: This sequence change falls in intron 2 of the SMPX gene. It does not directly change the encoded amino acid sequence of the SMPX protein. It affects a nucleotide within the consensus splice site. This variant is present in population databases (rs748590318, gnomAD no frequency). This variant has not been reported in the literature in individuals affected with SMPX-related conditions. Variants that disrupt the consensus splice site are a relatively common cause of aberrant splicing (PMID: 17576681, 9536098). Algorithms developed to predict the effect of sequence changes on RNA splicing suggest that this variant is not likely to affect RNA splicing. In summary, the available evidence is currently insufficient to determine the role of this variant in disease. Therefore, it has been classified as a Variant of Uncertain Significance.

Literature cited by the submitters: PubMed 17576681; PubMed 9536098.

NM_014332.3(SMPX):c.45+6T>C

Gene: SMPX (small muscle protein X-linked; minus strand). Cytogenetic location: Xp22.12.
Variant type: single nucleotide variant.
Coding change: c.45+6T>C on transcript NM_014332.3 (MANE Select); 6 bases into the intron after coding-DNA position 45, T replaced by C.
Molecular consequence: intron variant.
Genome position (GRCh38, 1-based): chrX:21,754,240, A>G on the plus strand (T>C on the coding strand, the complement: SMPX is on the minus strand). VCF-style: chrX-21754240-A-G. GRCh37 (hg19) VCF-style: chrX-21772358-A-G.
Identifiers: ClinVar variation 3005899 (VCV003005899.2), dbSNP rs748590318, ClinGen allele CA10367250.